The following is an entry in ClinVar:

ClinVar aggregate classification (germline): Uncertain significance (1 of 4 stars; one submission).

Conditions:
Autosomal dominant limb-girdle muscular dystrophy type 1G (LGMDD3). Also called: Limb-girdle muscular dystrophy, type 1G; MUSCULAR DYSTROPHY, LIMB-GIRDLE, AUTOSOMAL DOMINANT 3. Identifiers: Orphanet 55596, MedGen C1836765, MONDO:0012193, OMIM 609115.

Allele frequency attached by ClinVar (database versions not stated): gnomAD exomes below 0.00001.

Submission:

Labcorp Genetics (formerly Invitae), Labcorp
Classification: Uncertain significance for Autosomal dominant limb-girdle muscular dystrophy type 1G. Last evaluated: 2023-06-23. Review status: criteria provided, single submitter. Criteria: Invitae Variant Classification Sherloc (09022015). Collection method: clinical testing. Allele origin: germline.
Comment: In summary, the available evidence is currently insufficient to determine the role of this variant in disease. Therefore, it has been classified as a Variant of Uncertain Significance. An algorithm developed to predict the effect of missense changes on protein structure and function (PolyPhen-2) suggests that this variant is likely to be tolerated. This variant has not been reported in the literature in individuals affected with HNRNPDL-related conditions. This variant is present in population databases (no rsID available, gnomAD 0.003%). This sequence change replaces glutamic acid, which is acidic and polar, with aspartic acid, which is acidic and polar, at codon 263 of the HNRNPDL protein (p.Glu263Asp).

NM_031372.4(HNRNPDL):c.789A>C (p.Glu263Asp)

Gene: HNRNPDL (heterogeneous nuclear ribonucleoprotein D like; minus strand). Cytogenetic location: 4q21.22.
Variant type: single nucleotide variant.
Coding change: c.789A>C on transcript NM_031372.4 (MANE Select); coding-DNA position 789, A replaced by C.
Protein change: p.Glu263Asp; replaces glutamic acid 263 with aspartic acid.
Molecular consequence: missense variant. On other transcripts: non-coding transcript variant (1).
Genome position (GRCh38, 1-based): chr4:82,427,550, T>G on the plus strand (A>C on the coding strand, the complement: HNRNPDL is on the minus strand). VCF-style: chr4-82427550-T-G. GRCh37 (hg19) VCF-style: chr4-83348703-T-G.
Other names: c.789A>C, p.Glu263Asp (NM_001207000.1); short protein forms E263D.
Identifiers: ClinVar variation 2987874 (VCV002987874.3), dbSNP rs1347926064, ClinGen allele CA357170321.